The following is an entry in ClinVar:

NM_032043.3(BRIP1):c.62C>A (p.Ala21Asp)

Gene: BRIP1 (BRCA1 interacting DNA helicase 1; minus strand). Cytogenetic location: 17q23.2.
Variant type: single nucleotide variant.
Coding change: c.62C>A on transcript NM_032043.3 (MANE Select); coding-DNA position 62, C replaced by A.
Protein change: p.Ala21Asp; replaces alanine 21 with aspartic acid.
Molecular consequence: missense variant.
Genome position (GRCh38, 1-based): chr17:61,861,478, G>T on the plus strand (C>A on the coding strand, the complement: BRIP1 is on the minus strand). VCF-style: chr17-61861478-G-T. GRCh37 (hg19) VCF-style: chr17-59938839-G-T.
Other names: short protein forms A21D.
Identifiers: ClinVar variation 649154 (VCV000649154.13), dbSNP rs1603368436, ClinGen allele CA400485964.
Genomic context (GRCh38, chr17:61,861,478, plus strand): 5'-TAAAAACTTAACTGCTGAAAAATACTTACAGAATTCATCATAGCAAGCTGTGACGGGTAA[G>T]CTTTATAAGGAAAGTAAATCTTCACCCCACCAATTGTATATTCAGACCACATTGAAGACA-3'
Protein context (NP_114432.2, residues 11-31): GGVKIYFPYK[Ala21Asp]YPSQLAMMNS

ClinVar aggregate classification (germline): Uncertain significance. Review status: criteria provided, multiple submitters, no conflicts (2 of 4 stars). 4 submissions from 4 submitters: Uncertain significance (4). Last evaluated 2026-07-06.

Conditions:
Fanconi anemia complementation group J. Also called: BRIP1-Related Fanconi Anemia. Identifiers: Orphanet 84, MedGen C1836860, MONDO:0012187, OMIM 609054.
Hereditary cancer-predisposing syndrome. Also called: Neoplastic Syndromes, Hereditary; Hereditary Cancer Syndrome; Hereditary neoplastic syndrome; Tumor predisposition. Identifiers: Orphanet 140162, MedGen C0027672, MeSH D009386, MONDO:0015356.
Familial cancer of breast. Also called: hereditary breast carcinoma; BREAST CANCER, FAMILIAL; Hereditary breast cancer. Identifiers: Orphanet 227535, MedGen C0346153, MONDO:0016419, OMIM 114480. Disease mechanism: loss of function.

Submissions (4):

Ambry Genetics
Classification: Uncertain significance for Hereditary cancer-predisposing syndrome. Last evaluated: 2026-07-06. Review status: criteria provided, single submitter. Criteria: Ambry Variant Classification Scheme 2023. Collection method: clinical testing. Allele origin: germline.
Comment: The p.A21D variant (also known as c.62C>A), located in coding exon 1 of the BRIP1 gene, results from a C to A substitution at nucleotide position 62. The alanine at codon 21 is replaced by aspartic acid, an amino acid with dissimilar properties. This amino acid position is conserved. In addition, this alteration is predicted to be deleterious by in silico analysis. Based on the available evidence, the clinical significance of this variant remains unclear.

Color Diagnostics, LLC DBA Color Health
Classification: Uncertain significance for Hereditary cancer-predisposing syndrome. Last evaluated: 2025-03-31. Review status: criteria provided, single submitter. Criteria: ACMG Guidelines, 2015. Collection method: clinical testing. Allele origin: germline.
Comment: This missense variant replaces alanine with aspartic acid at codon 21 of the BRIP1 protein. Computational prediction suggests that this variant may not impact protein structure and function (internally defined REVEL score threshold <= 0.5, PMID: 27666373). To our knowledge, functional studies have not been reported for this variant. This variant has not been reported in individuals affected with BRIP1-related disorders in the literature. This variant has not been identified in the general population by the Genome Aggregation Database (gnomAD). The available evidence is insufficient to determine the role of this variant in disease conclusively. Therefore, this variant is classified as a Variant of Uncertain Significance.

Labcorp Genetics (formerly Invitae), Labcorp
Classification: Uncertain significance for Familial cancer of breast; Fanconi anemia complementation group J. Last evaluated: 2023-04-26. Review status: criteria provided, single submitter. Criteria: Invitae Variant Classification Sherloc (09022015). Collection method: clinical testing. Allele origin: germline.
Comment: ClinVar contains an entry for this variant (Variation ID: 649154). This variant has not been reported in the literature in individuals affected with BRIP1-related conditions. This variant is not present in population databases (gnomAD no frequency). In summary, the available evidence is currently insufficient to determine the role of this variant in disease. Therefore, it has been classified as a Variant of Uncertain Significance. Advanced modeling of protein sequence and biophysical properties (such as structural, functional, and spatial information, amino acid conservation, physicochemical variation, residue mobility, and thermodynamic stability) performed at Invitae indicates that this missense variant is expected to disrupt BRIP1 protein function. This sequence change replaces alanine, which is neutral and non-polar, with aspartic acid, which is acidic and polar, at codon 21 of the BRIP1 protein (p.Ala21Asp).

Neuberg Centre For Genomic Medicine, NCGM
Classification: Uncertain significance for Fanconi anemia complementation group J. Review status: criteria provided, single submitter. Criteria: ACMG Guidelines, 2015. Collection method: clinical testing. Allele origin: germline. Affected: yes.
Comment: The missense variant p.A21D in BRIP1 (NM_032043.3) has been previously submitted to ClinVar as a Variant of Uncertain Significance. It has not been reported in literature in affected individuals. The p.A21D variant is novel (not in any individuals) in gnomAD Exomes and is novel (not in any individuals) in 1000 Genomes. There is a moderate physicochemical difference between alanine and aspartic acid. The p.A21D missense variant is predicted to be damaging by both SIFT and PolyPhen2. The alanine residue at codon 21 of BRIP1 is conserved in all mammalian species. The nucleotide c.62 in BRIP1 is predicted conserved by GERP++ and PhyloP across 100 vertebrates. For these reasons, this variant has been classified as Uncertain Significance.